The following is an entry in ClinVar:

NM_014915.3(ANKRD26):c.1229T>C (p.Leu410Ser)

Gene: ANKRD26 (ankyrin repeat domain 26; minus strand). Cytogenetic location: 10p12.1.
Variant type: single nucleotide variant.
Coding change: c.1229T>C on transcript NM_014915.3 (MANE Select); coding-DNA position 1229, T replaced by C.
Protein change: p.Leu410Ser; replaces leucine 410 with serine.
Molecular consequence: missense variant.
Genome position (GRCh38, 1-based): chr10:27,066,527, A>G on the plus strand (T>C on the coding strand, the complement: ANKRD26 is on the minus strand). VCF-style: chr10-27066527-A-G. GRCh37 (hg19) VCF-style: chr10-27355456-A-G.
Other names: c.1229T>C, p.Leu410Ser (NM_001256053.2); short protein forms L410S.
Identifiers: ClinVar variation 2105073 (VCV002105073.5), dbSNP rs2539029152, ClinGen allele CA376359541.

ClinVar aggregate classification (germline): Uncertain significance. Review status: criteria provided, multiple submitters, no conflicts (2 of 4 stars). 2 submissions from 2 submitters: Uncertain significance (2). Last evaluated 2025-01-10.

Conditions:
Inborn genetic diseases. Identifiers: MedGen C0950123, MeSH D030342.

Submissions (2):

Ambry Genetics
Classification: Uncertain significance for Inborn genetic diseases. Last evaluated: 2025-01-10. Review status: criteria provided, single submitter. Criteria: Ambry Variant Classification Scheme 2023. Collection method: clinical testing. Allele origin: germline.
Comment: The p.L410S variant (also known as c.1229T>C), located in coding exon 11 of the ANKRD26 gene, results from a T to C substitution at nucleotide position 1229. The leucine at codon 410 is replaced by serine, an amino acid with dissimilar properties. This amino acid position is conserved. In addition, this alteration is predicted to be tolerated by in silico analysis. Based on the available evidence, the clinical significance of this variant remains unclear.

Labcorp Genetics (formerly Invitae), Labcorp
Classification: Uncertain significance. Last evaluated: 2022-09-26. Review status: criteria provided, single submitter. Criteria: Invitae Variant Classification Sherloc (09022015). Collection method: clinical testing. Allele origin: germline.
Comment: Algorithms developed to predict the effect of missense changes on protein structure and function are either unavailable or do not agree on the potential impact of this missense change (SIFT: "Deleterious"; PolyPhen-2: "Benign"; Align-GVGD: "Class C0"). In summary, the available evidence is currently insufficient to determine the role of this variant in disease. Therefore, it has been classified as a Variant of Uncertain Significance. This variant has not been reported in the literature in individuals affected with ANKRD26-related conditions. This sequence change replaces leucine, which is neutral and non-polar, with serine, which is neutral and polar, at codon 410 of the ANKRD26 protein (p.Leu410Ser). This variant is not present in population databases (gnomAD no frequency).